The following is an entry in ClinVar:

NM_174934.4(SCN4B):c.658G>A (p.Ala220Thr)

Gene: SCN4B (sodium voltage-gated channel beta subunit 4; minus strand). Cytogenetic location: 11q23.3.
Variant type: single nucleotide variant.
Coding change: c.658G>A on transcript NM_174934.4 (MANE Select); coding-DNA position 658, G replaced by A.
Protein change: p.Ala220Thr; replaces alanine 220 with threonine.
Molecular consequence: missense variant. On other transcripts: non-coding transcript variant (1).
Genome position (GRCh38, 1-based): chr11:118,137,056, C>T on the plus strand (G>A on the coding strand, the complement: SCN4B is on the minus strand). VCF-style: chr11-118137056-C-T. GRCh37 (hg19) VCF-style: chr11-118007771-C-T.
Other names: c.256G>A, p.Ala86Thr (NM_001142348.2); c.328G>A, p.Ala110Thr (NM_001142349.2); short protein forms A110T, A220T, A86T.
Identifiers: ClinVar variation 1524046 (VCV001524046.8), dbSNP rs1235880227, ClinGen allele CA382776508.
Genomic context (GRCh38, chr11:118,137,056, plus strand): 5'-CTCCCTGCAGCTGCTCAGCCCGAAGCAGGGCTCACACTTTTGAAGGTGGTTTCTCCTCTG[C>T]CTTGGAGCCAGGCAAGCCGTTCTCCGTGTTGTCATTCCCCGAGGAGCTCACGAGACACTC-3'
Protein context (NP_777594.1, residues 210-228): NTENGLPGSK[Ala220Thr]EEKPPSKV

ClinVar aggregate classification (germline): Uncertain significance (1 of 4 stars; one submission).

Conditions:
Long QT syndrome 10 (LQT10). Identifiers: Orphanet 101016, Orphanet 768, MedGen C2678484, MONDO:0012737, OMIM 611819.

Allele frequency attached by ClinVar (database versions not stated): gnomAD exomes below 0.00001; gnomAD 0.00002; TOPMed 0.00002.
gnomAD v4.1: 8 of 1,613,938 alleles (0.0005%); highest among the groups gnomAD compares: East Asian, 0.0022%; no homozygotes.

Submission:

Labcorp Genetics (formerly Invitae), Labcorp
Classification: Uncertain significance for Long QT syndrome 10. Last evaluated: 2021-03-14. Review status: criteria provided, single submitter. Criteria: Invitae Variant Classification Sherloc (09022015). Collection method: clinical testing. Allele origin: germline.
Comment: This variant has been observed in individual(s) with clinical features of long QT syndrome or referred for genetic testing (PMID: 23174487, 23631430). This variant is not present in population databases (ExAC no frequency). This sequence change replaces alanine with threonine at codon 220 of the SCN4B protein (p.Ala220Thr). The alanine residue is moderately conserved and there is a small physicochemical difference between alanine and threonine. Algorithms developed to predict the effect of missense changes on protein structure and function are either unavailable or do not agree on the potential impact of this missense change (SIFT: "Tolerated"; PolyPhen-2: "Probably Damaging"; Align-GVGD: "Class C0"). In summary, the available evidence is currently insufficient to determine the role of this variant in disease. Therefore, it has been classified as a Variant of Uncertain Significance.

Literature cited by the submitters: PubMed 23174487; PubMed 23631430.